The following is an entry in ClinVar:

ClinVar aggregate classification (germline): Uncertain significance (1 of 4 stars; one submission).

Allele frequency attached by ClinVar (database versions not stated): gnomAD exomes 0.00002 and 0.00005; gnomAD 0.00003; TOPMed 0.00003; ExAC 0.00005.
gnomAD v4.1: 38 of 1,614,046 alleles (0.0024%); highest among the groups gnomAD compares: Non-Finnish European, 0.00025%; no homozygotes.

Submission:

GeneDx
Classification: Uncertain significance. Last evaluated: 2014-04-23. Review status: criteria provided, single submitter. Criteria: GeneDx Variant Classification (06012015). Collection method: clinical testing. Allele origin: germline. Affected: yes.
Comment: p.Glu589Lys (GAA>AAA): c.1765 G>A in exon 10 of the EFHC1 gene (NM_018100.3). A variant of unknown significance has been identified in the EFHC1 gene. The E589K variant has not been published as a mutation, nor has it been reported as a benign polymorphism to our knowledge. It was not observed in approximately 6,500 individuals of European and African American ancestry in the NHLBI Exome Sequencing Project, indicating it is not a common benign variant in these populations. It is a non-conservative amino acid substitution, which is likely to impact secondary protein structure as these residues differ in polarity, charge, size and/or other properties. However, this substitution occurs at a position that is not conserved across species. In silico analysis predicts this variant likely does not alter the protein structure/function. Therefore, based on the currently available information, it is unclear whether this variant is a pathogenic mutation or a rare benign variant. The variant is found in EPILEPSY panel(s).

NM_018100.4(EFHC1):c.1765G>A (p.Glu589Lys)

Gene: EFHC1 (EF-hand domain containing 1; plus strand). Cytogenetic location: 6p12.2.
Variant type: single nucleotide variant.
Coding change: c.1765G>A on transcript NM_018100.4 (MANE Select); coding-DNA position 1765, G replaced by A.
Protein change: p.Glu589Lys; replaces glutamic acid 589 with lysine.
Molecular consequence: missense variant. On other transcripts: non-coding transcript variant (1).
Genome position (GRCh38, 1-based): chr6:52,490,264, G>A. VCF-style: chr6-52490264-G-A. GRCh37 (hg19) VCF-style: chr6-52355062-G-A.
Other names: p.E589K:GAA>AAA; c.1708G>A, p.Glu570Lys (NM_001172420.2); short protein forms E589K, E570K.
Identifiers: ClinVar variation 205415 (VCV000205415.6), dbSNP rs201197637, ClinGen allele CA314464.